The following is an entry in ClinVar:

ClinVar aggregate classification (germline): Uncertain significance. Review status: criteria provided, multiple submitters, no conflicts (2 of 4 stars). 2 submissions from 2 submitters: Uncertain significance (2). Last evaluated 2021-09-16.

Conditions:
Cerebral palsy, spastic quadriplegic, 3 (CPSQ3). Identifiers: Orphanet 210141, MedGen C4310767, MONDO:0014862, OMIM 617008.

Allele frequency attached by ClinVar (database versions not stated): gnomAD 0.00001; ExAC 0.00002; gnomAD exomes 0.00002; TOPMed 0.00002.
gnomAD v4.1: 39 of 1,614,010 alleles (0.0024%); highest among the groups gnomAD compares: Middle Eastern, 0.099%; no homozygotes.

Submissions (2):

Ambry Genetics
Classification: Uncertain significance. Last evaluated: 2021-09-16. Review status: criteria provided, single submitter. Criteria: Ambry Variant Classification Scheme 2023. Collection method: clinical testing. Allele origin: germline.

Baylor Genetics
Classification: Uncertain significance for Cerebral palsy, spastic quadriplegic, 3. Last evaluated: 2020-06-03. Review status: criteria provided, single submitter. Criteria: ACMG Guidelines, 2015. Collection method: clinical testing. Allele origin: unknown. Affected: yes.
Comment: This variant was determined to be of uncertain significance according to ACMG Guidelines, 2015 [PMID:25741868].

NM_016824.5(ADD3):c.1372G>A (p.Gly458Arg)

Gene: ADD3 (adducin 3; plus strand). Cytogenetic location: 10q25.2.
Variant type: single nucleotide variant.
Coding change: c.1372G>A on transcript NM_016824.5 (MANE Select); coding-DNA position 1372, G replaced by A.
Protein change: p.Gly458Arg; replaces glycine 458 with arginine.
Molecular consequence: missense variant.
Genome position (GRCh38, 1-based): chr10:110,124,245, G>A. VCF-style: chr10-110124245-G-A. GRCh37 (hg19) VCF-style: chr10-111884003-G-A.
Other names: c.1372G>A, p.Gly458Arg (NM_001121.4, NM_001320591.2, NM_001320592.2 and 2 more transcripts); c.1138G>A, p.Gly380Arg (NM_001320594.2); short protein forms G380R, G458R.
Identifiers: ClinVar variation 1028030 (VCV001028030.4), dbSNP rs753065727, ClinGen allele CA5686593.